The following is an entry in ClinVar:

ClinVar aggregate classification (germline): Uncertain significance (1 of 4 stars; one submission).

Allele frequency attached by ClinVar (database versions not stated): gnomAD exomes below 0.00001; ExAC 0.00001; gnomAD 0.00001.
gnomAD v4.1: 2 of 1,613,994 alleles (0.00012%); highest among the groups gnomAD compares: Non-Finnish European, 0.00017%; no homozygotes.

Submission:

GeneDx
Classification: Uncertain significance. Last evaluated: 2022-04-18. Review status: criteria provided, single submitter. Criteria: GeneDx Variant Classification Process June 2021. Collection method: clinical testing. Allele origin: germline. Affected: yes.
Comment: Not observed at significant frequency in large population cohorts (gnomAD); In silico analysis supports that this missense variant has a deleterious effect on protein structure/function; Has not been previously published as pathogenic or benign to our knowledge

NM_001394062.1(MACF1):c.11783T>G (p.Ile3928Ser)

Gene: MACF1 (microtubule actin crosslinking factor 1; plus strand). Cytogenetic location: 1p34.3.
Variant type: single nucleotide variant.
Coding change: c.11783T>G on transcript NM_001394062.1 (MANE Select); coding-DNA position 11783, T replaced by G.
Protein change: p.Ile3928Ser; replaces isoleucine 3928 with serine.
Molecular consequence: missense variant.
Genome position (GRCh38, 1-based): chr1:39,357,733, T>G. VCF-style: chr1-39357733-T-G. GRCh37 (hg19) VCF-style: chr1-39823405-T-G.
Other names: c.5597T>G, p.Ile1866Ser (NM_012090.5); short protein forms I1866S, I3928S.
Identifiers: ClinVar variation 1711976 (VCV001711976.2), dbSNP rs749904155, ClinGen allele CA781666.
Genomic context (GRCh38, chr1:39,357,733, plus strand): 5'-GCAGCCCCGAGACCCTTCCCTCCCTGCTAAAGCGGCAAGGAAGCTTCTCAGAGGATGTCA[T>G]TTCCCACAAAGGAGACTTGAGATTTGTGACTATCTCAGGACAGAAAGTCTTGGACATGGA-3'
Protein context (NP_001380991.1, residues 3918-3938): KRQGSFSEDV[Ile3928Ser]SHKGDLRFVT